The following is an entry in ClinVar:

ClinVar aggregate classification (germline): Uncertain significance (1 of 4 stars; one submission).

Conditions:
Combined oxidative phosphorylation defect type 21. Also called: Combined oxidative phosphorylation deficiency 21. Identifiers: Orphanet 420733, MedGen C4706316, MONDO:0014398, OMIM 615918.

Submission:

Baylor Genetics
Classification: Uncertain significance for Combined oxidative phosphorylation defect type 21. Last evaluated: 2020-06-03. Review status: criteria provided, single submitter. Criteria: ACMG Guidelines, 2015. Collection method: clinical testing. Allele origin: unknown. Affected: yes.
Comment: This variant was determined to be of uncertain significance according to ACMG Guidelines, 2015 [PMID:25741868].

NM_025150.5(TARS2):c.887A>G (p.Glu296Gly)

Gene: TARS2 (threonyl-tRNA synthetase 2, mitochondrial; plus strand). Cytogenetic location: 1q21.2.
Variant type: single nucleotide variant.
Coding change: c.887A>G on transcript NM_025150.5 (MANE Select); coding-DNA position 887, A replaced by G.
Protein change: p.Glu296Gly; replaces glutamic acid 296 with glycine.
Molecular consequence: missense variant. On other transcripts: non-coding transcript variant (1), intron variant (2).
Genome position (GRCh38, 1-based): chr1:150,496,594, A>G. VCF-style: chr1-150496594-A-G. GRCh37 (hg19) VCF-style: chr1-150469070-A-G.
Other names: c.775-936A>G (NM_001271895.2); c.631-936A>G (NM_001271896.2); short protein forms E296G.
Identifiers: ClinVar variation 1030908 (VCV001030908.1), dbSNP rs1669673209, ClinGen allele CA342324346.